The following is an entry in ClinVar:

NM_003072.5(SMARCA4):c.294G>T (p.Met98Ile)

Gene: SMARCA4 (SWI/SNF related BAF chromatin remodeling complex subunit ATPase 4; plus strand). Cytogenetic location: 19p13.2.
Variant type: single nucleotide variant.
Coding change: c.294G>T on transcript NM_003072.5 (MANE Select); coding-DNA position 294, G replaced by T.
Protein change: p.Met98Ile; replaces methionine 98 with isoleucine.
Molecular consequence: missense variant. On other transcripts: non-coding transcript variant (1).
Genome position (GRCh38, 1-based): chr19:10,985,344, G>T. VCF-style: chr19-10985344-G-T. GRCh37 (hg19) VCF-style: chr19-11096020-G-T.
Other names: c.294G>T, p.Met98Ile (NM_001128844.3, NM_001128845.2, NM_001128846.2 and 5 more transcripts); short protein forms M98I.
Identifiers: ClinVar variation 1042547 (VCV001042547.11), dbSNP rs757214683, ClinGen allele CA404055237.

ClinVar aggregate classification (germline): Uncertain significance. Review status: criteria provided, multiple submitters, no conflicts (2 of 4 stars). 2 submissions from 2 submitters: Uncertain significance (2). Last evaluated 2025-11-10.

Conditions:
Hereditary cancer-predisposing syndrome. Also called: Hereditary Cancer Syndrome; Tumor predisposition; Hereditary neoplastic syndrome; Neoplastic Syndromes, Hereditary. Identifiers: Orphanet 140162, MedGen C0027672, MeSH D009386, MONDO:0015356.
Rhabdoid tumor predisposition syndrome 2 (RTPS2). Identifiers: Orphanet 231108, Orphanet 69077, MedGen C2750074, MONDO:0013224, OMIM 613325.

gnomAD v4.1: 3 of 1,614,086 alleles (0.00019%); highest among the groups gnomAD compares: Non-Finnish European, 0.00025%; no homozygotes.

Submissions (2):

Labcorp Genetics (formerly Invitae), Labcorp
Classification: Uncertain significance for Rhabdoid tumor predisposition syndrome 2. Last evaluated: 2025-11-10. Review status: criteria provided, single submitter. Criteria: Invitae Variant Classification Sherloc (09022015). Collection method: clinical testing. Allele origin: germline.
Comment: This sequence change replaces methionine, which is neutral and non-polar, with isoleucine, which is neutral and non-polar, at codon 98 of the SMARCA4 protein (p.Met98Ile). This variant is present in population databases (no rsID available, gnomAD 0.0009%). This variant has not been reported in the literature in individuals affected with SMARCA4-related conditions. ClinVar contains an entry for this variant (Variation ID: 1042547). Invitae Evidence Modeling of protein sequence and biophysical properties (such as structural, functional, and spatial information, amino acid conservation, physicochemical variation, residue mobility, and thermodynamic stability) indicates that this missense variant is not expected to disrupt SMARCA4 protein function with a negative predictive value of 80%. In summary, the available evidence is currently insufficient to determine the role of this variant in disease. Therefore, it has been classified as a Variant of Uncertain Significance.

Ambry Genetics
Classification: Uncertain significance for Hereditary cancer-predisposing syndrome. Last evaluated: 2020-05-13. Review status: criteria provided, single submitter. Criteria: Ambry Variant Classification Scheme 2023. Collection method: clinical testing. Allele origin: germline.
Comment: The p.M98I variant (also known as c.294G>T), located in coding exon 2 of the SMARCA4 gene, results from a G to T substitution at nucleotide position 294. The methionine at codon 98 is replaced by isoleucine, an amino acid with highly similar properties. This amino acid position is not well conserved in available vertebrate species. In addition, this alteration is predicted to be tolerated by in silico analysis. Since supporting evidence is limited at this time, the clinical significance of this alteration remains unclear.